The following is an entry in ClinVar:

NM_021930.6(RINT1):c.1533C>G (p.Asp511Glu)

Gene: RINT1 (RAD50 interactor 1; plus strand). Cytogenetic location: 7q22.3.
Variant type: single nucleotide variant.
Coding change: c.1533C>G on transcript NM_021930.6 (MANE Select); coding-DNA position 1533, C replaced by G.
Protein change: p.Asp511Glu; replaces aspartic acid 511 with glutamic acid.
Molecular consequence: missense variant.
Genome position (GRCh38, 1-based): chr7:105,555,089, C>G. VCF-style: chr7-105555089-C-G. GRCh37 (hg19) VCF-style: chr7-105195536-C-G.
Other names: c.1299C>G, p.Asp433Glu (NM_001346599.2); c.510C>G, p.Asp170Glu (NM_001346600.2, NM_001346603.2); c.609C>G, p.Asp203Glu (NM_001346601.2); short protein forms D511E, D170E, D433E, D203E.
Identifiers: ClinVar variation 5028295 (VCV005028295.1).

ClinVar aggregate classification (germline): Uncertain significance (1 of 4 stars; one submission).

Submission:

Ambry Genetics
Classification: Uncertain significance. Last evaluated: 2026-08-23. Review status: criteria provided, single submitter. Criteria: Ambry Variant Classification Scheme 2023. Collection method: clinical testing. Allele origin: germline.
Comment: The p.D511E variant (also known as c.1533C>G), located in coding exon 11 of the RINT1 gene, results from a C to G substitution at nucleotide position 1533. The aspartic acid at codon 511 is replaced by glutamic acid, an amino acid with highly similar properties. This amino acid position is conserved. In addition, this alteration is predicted to be tolerated by in silico analysis. Based on the available evidence, the clinical significance of this variant remains unclear.